The following is an entry in ClinVar:

ClinVar aggregate classification (germline): Uncertain significance. Review status: criteria provided, multiple submitters, no conflicts (2 of 4 stars). 2 submissions from 2 submitters: Uncertain significance (2). Last evaluated 2025-05-20.

Conditions:
Ullrich congenital muscular dystrophy 2 (UCMD2). Identifiers: Orphanet 75840, MedGen C4225314, MONDO:0014654, OMIM 616470.
Bethlem myopathy 2 (BTHLM2). Identifiers: Orphanet 536516, Orphanet 610, MedGen C4225313, MONDO:0034022, OMIM 616471.

Submissions (2):

Women's Health and Genetics/Laboratory Corporation of America, LabCorp
Classification: Uncertain significance. Last evaluated: 2025-05-20. Review status: criteria provided, single submitter. Criteria: LabCorp Variant Classification Summary - May 2015. Collection method: clinical testing. Allele origin: germline.
Comment: Variant summary: COL12A1 c.6559C>A (p.Gln2187Lys) results in a conservative amino acid change in the encoded protein sequence. Algorithms developed to predict the effect of missense changes on protein structure and function are either unavailable or do not agree on the potential impact of this missense change. The variant was absent in 248054 control chromosomes. The available data on variant occurrences in the general population are insufficient to allow any conclusion about variant significance. To our knowledge, no occurrence of c.6559C>A in individuals affected with Ullrich congenital muscular dystrophy 2 and no experimental evidence demonstrating its impact on protein function have been reported. ClinVar contains an entry for this variant (Variation ID: 2932599). Based on the evidence outlined above, the variant was classified as uncertain significance.

Labcorp Genetics (formerly Invitae), Labcorp
Classification: Uncertain significance for Bethlem myopathy 2; Ullrich congenital muscular dystrophy 2. Last evaluated: 2023-12-20. Review status: criteria provided, single submitter. Criteria: Invitae Variant Classification Sherloc (09022015). Collection method: clinical testing. Allele origin: germline.
Comment: This sequence change replaces glutamine, which is neutral and polar, with lysine, which is basic and polar, at codon 2187 of the COL12A1 protein (p.Gln2187Lys). This variant is not present in population databases (gnomAD no frequency). This variant has not been reported in the literature in individuals affected with COL12A1-related conditions. Advanced modeling of protein sequence and biophysical properties (such as structural, functional, and spatial information, amino acid conservation, physicochemical variation, residue mobility, and thermodynamic stability) performed at Invitae indicates that this missense variant is not expected to disrupt COL12A1 protein function with a negative predictive value of 80%. In summary, the available evidence is currently insufficient to determine the role of this variant in disease. Therefore, it has been classified as a Variant of Uncertain Significance.

NM_004370.6(COL12A1):c.6559C>A (p.Gln2187Lys)

Gene: COL12A1 (collagen type XII alpha 1 chain; minus strand). Cytogenetic location: 6q13.
Variant type: single nucleotide variant.
Coding change: c.6559C>A on transcript NM_004370.6 (MANE Select); coding-DNA position 6559, C replaced by A.
Protein change: p.Gln2187Lys; replaces glutamine 2187 with lysine.
Molecular consequence: missense variant.
Genome position (GRCh38, 1-based): chr6:75,125,175, G>T on the plus strand (C>A on the coding strand, the complement: COL12A1 is on the minus strand). VCF-style: chr6-75125175-G-T. GRCh37 (hg19) VCF-style: chr6-75834891-G-T.
Other names: c.6559C>A, p.Gln2187Lys (NM_001424113.1); c.6538C>A, p.Gln2180Lys (NM_001424114.1); c.6286C>A, p.Gln2096Lys (NM_001424115.1); c.3067C>A, p.Gln1023Lys (NM_001424116.1, NM_080645.3); short protein forms Q1023K, Q2180K, Q2096K, Q2187K.
Identifiers: ClinVar variation 2932599 (VCV002932599.4), dbSNP rs2533236581, ClinGen allele CA364729360.